The following is an entry in ClinVar:

ClinVar aggregate classification (germline): Conflicting classifications of pathogenicity. Review status: criteria provided, conflicting classifications (1 of 4 stars). 3 submissions from 3 submitters: Uncertain significance (2); Benign (1). Last evaluated 2026-03-03.

Conditions:
Familial thoracic aortic aneurysm and aortic dissection (TAAD). Also called: Thoracic aortic aneurysms and dissections. Identifiers: Orphanet 91387, MedGen C4707243, MONDO:0019625.
Frontometaphyseal dysplasia (FMD1). Identifiers: Orphanet 1826, MedGen C0265293, MONDO:0015942.
Melnick-Needles syndrome (MNS). Also called: MELNICK-NEEDLES OSTEODYSPLASTY; OSTEODYSPLASTY OF MELNICK AND NEEDLES; Melnick-Needles Syndrome (FLNA-MNS). Identifiers: Orphanet 2484, MedGen C0025237, MONDO:0010650, OMIM 309350.
Oto-palato-digital syndrome, type II (OPD2). Also called: FACIOPALATOOSSEOUS SYNDROME; Otopalatodigital Syndrome, Type II; OPD II SYNDROME; Otopalatodigital Syndrome Type 2 (FLNA-OPD2). Identifiers: Orphanet 669, Orphanet 90652, MedGen C1844696, MONDO:0010571, OMIM 304120.
Heterotopia, periventricular, X-linked dominant (PVNH1). Also called: PERIVENTRICULAR NODULAR HETEROTOPIA 1; X-linked periventricular heterotopia; PERIVENTRICULAR NODULAR HETEROTOPIA 4; HETEROTOPIA, PERIVENTRICULAR, 1. Identifiers: Orphanet 2149, Orphanet 82004, MedGen C1848213, MONDO:0010233, OMIM 300049.

Allele frequency attached by ClinVar (database versions not stated): gnomAD exomes below 0.00001 and 0.00003; TOPMed 0.00002; ExAC 0.00005.
gnomAD v4.1: 5 of 1,211,424 alleles (0.00041%); highest among the groups gnomAD compares: Middle Eastern, 0.023%; no homozygotes.

Submissions (3):

Women's Health and Genetics/Laboratory Corporation of America, LabCorp
Classification: Uncertain significance. Last evaluated: 2026-03-03. Review status: criteria provided, single submitter. Criteria: LabCorp Variant Classification Summary - May 2015. Collection method: clinical testing. Allele origin: germline.
Comment: Variant summary: FLNA c.2993C>T (p.Ala998Val) results in a non-conservative amino acid change in the encoded protein sequence. Algorithms developed to predict the effect of missense changes on protein structure and function all suggest that this variant is likely to be disruptive. The variant allele was found at a frequency of 2.8e-05 in 181465 control chromosomes. The available data on variant occurrences in the general population are insufficient to allow any conclusion about variant significance. This report does not provide unequivocal conclusions about association of the variant with Periventricular Nodular Heterotopia. To our knowledge, no experimental evidence demonstrating an impact on protein function has been reported. The following publication has been ascertained in the context of this evaluation (PMID: 38958168). ClinVar contains an entry for this variant (Variation ID: 1007043). Based on the evidence outlined above, the variant was classified as uncertain significance.

Labcorp Genetics (formerly Invitae), Labcorp
Classification: Benign for Oto-palato-digital syndrome, type II; Heterotopia, periventricular, X-linked dominant; Frontometaphyseal dysplasia; Melnick-Needles syndrome. Last evaluated: 2025-12-03. Review status: criteria provided, single submitter. Criteria: Invitae Variant Classification Sherloc (09022015). Collection method: clinical testing. Allele origin: germline.

Ambry Genetics
Classification: Uncertain significance for Familial thoracic aortic aneurysm and aortic dissection. Last evaluated: 2025-03-28. Review status: criteria provided, single submitter. Criteria: Ambry Variant Classification Scheme 2023. Collection method: clinical testing. Allele origin: germline.
Comment: The p.A998V variant (also known as c.2993C>T), located in coding exon 20 of the FLNA gene, results from a C to T substitution at nucleotide position 2993. The alanine at codon 998 is replaced by valine, an amino acid with similar properties. This amino acid position is highly conserved in available vertebrate species. In addition, the in silico prediction for this alteration is inconclusive. Based on data from gnomAD, the T allele has an overall frequency of 0.0028% (5/181465) total alleles studied, with 1 hemizygote(s) observed. The highest observed frequency was 0.0295% (4/13555) of East Asian alleles. Based on the available evidence, the clinical significance of this variant remains unclear.

Literature cited by the submitters: PubMed 38958168 (cited by Women's Health and Genetics/Laboratory Corporation of America, LabCorp).

NM_001110556.2(FLNA):c.2993C>T (p.Ala998Val)

Gene: FLNA (filamin A; minus strand). Cytogenetic location: Xq28.
Variant type: single nucleotide variant.
Coding change: c.2993C>T on transcript NM_001110556.2 (MANE Select); coding-DNA position 2993, C replaced by T.
Protein change: p.Ala998Val; replaces alanine 998 with valine.
Molecular consequence: missense variant.
Genome position (GRCh38, 1-based): chrX:154,361,522, G>A on the plus strand (C>T on the coding strand, the complement: FLNA is on the minus strand). VCF-style: chrX-154361522-G-A. GRCh37 (hg19) VCF-style: chrX-153589890-G-A.
Other names: c.2993C>T (NM_001456.3); c.2993C>T, p.Ala998Val (NM_001456.4); short protein forms A998V.
Identifiers: ClinVar variation 1007043 (VCV001007043.11), dbSNP rs782099443, ClinGen allele CA10560788.